The following is an entry in ClinVar:

NM_001128148.3(TFRC):c.1919A>G (p.Gln640Arg)

Gene: TFRC (transferrin receptor; minus strand). Cytogenetic location: 3q29.
Variant type: single nucleotide variant.
Coding change: c.1919A>G on transcript NM_001128148.3 (MANE Select); coding-DNA position 1919, A replaced by G.
Protein change: p.Gln640Arg; replaces glutamine 640 with arginine.
Molecular consequence: missense variant.
Genome position (GRCh38, 1-based): chr3:196,053,539, T>C on the plus strand (A>G on the coding strand, the complement: TFRC is on the minus strand). VCF-style: chr3-196053539-T-C. GRCh37 (hg19) VCF-style: chr3-195780410-T-C.
Other names: c.1676A>G, p.Gln559Arg (NM_001313965.2); c.1073A>G, p.Gln358Arg (NM_001313966.2); c.1919A>G, p.Gln640Arg (NM_003234.4); short protein forms Q358R, Q559R, Q640R.
Identifiers: ClinVar variation 4702950 (VCV004702950.1).
Genomic context (GRCh38, chr3:196,053,539, plus strand): 5'-AAATCTGTTGTTAGTCTGGAAGTAGCACGGAAGAAGTCTCCACGAGCAGAATACAGCCAC[T>C]GTAAACTCAGGCCCATTTCCTGAAACAGACATTATTCGCTATGAGAAGTTTTATTTCTAA-3'
Protein context (NP_001121620.1, residues 630-650): ADIKEMGLSL[Gln640Arg]WLYSARGDFF

ClinVar aggregate classification (germline): Uncertain significance (1 of 4 stars; one submission).

Submission:

Labcorp Genetics (formerly Invitae), Labcorp
Classification: Uncertain significance. Last evaluated: 2026-01-08. Review status: criteria provided, single submitter. Criteria: Invitae Variant Classification Sherloc (09022015). Collection method: clinical testing. Allele origin: germline.
Comment: This sequence change replaces glutamine, which is neutral and polar, with arginine, which is basic and polar, at codon 640 of the TFRC protein (p.Gln640Arg). This variant is present in population databases (no rsID available, gnomAD 0.0009%). This variant has not been reported in the literature in individuals affected with TFRC-related conditions. Invitae Evidence Modeling of protein sequence and biophysical properties (such as structural, functional, and spatial information, amino acid conservation, physicochemical variation, residue mobility, and thermodynamic stability) indicates that this missense variant is not expected to disrupt TFRC protein function with a negative predictive value of 80%. In summary, the available evidence is currently insufficient to determine the role of this variant in disease. Therefore, it has been classified as a Variant of Uncertain Significance.